The following is an entry in ClinVar:

ClinVar aggregate classification (germline): Pathogenic/Likely pathogenic. Review status: criteria provided, multiple submitters, no conflicts (2 of 4 stars). 2 submissions from 2 submitters: Pathogenic (1); Likely pathogenic (1). Last evaluated 2026-08-24.

Conditions:
Wolfram-like syndrome. Also called: HEARING LOSS, PROGRESSIVE, WITH OPTIC ATROPHY AND/OR IMPAIRED GLUCOSE REGULATION. Identifiers: Orphanet 411590, MedGen C3280358, MONDO:0013673, OMIM 614296.

Submissions (2):

MVZ Martinsried, Medicover Genetics
Classification: Likely pathogenic for Wolfram-like syndrome. Last evaluated: 2026-08-24. Review status: criteria provided, single submitter. Criteria: ClinGen Variant Curation SOP V3.2 + Classification Guidance July2025. Collection method: clinical testing. Allele origin: inherited. Affected: yes. Observed: 1 heterozygote.

Labcorp Genetics (formerly Invitae), Labcorp
Classification: Pathogenic. Last evaluated: 2023-03-09. Review status: criteria provided, single submitter. Criteria: Invitae Variant Classification Sherloc (09022015). Collection method: clinical testing. Allele origin: germline.
Comment: For these reasons, this variant has been classified as Pathogenic. Advanced modeling of protein sequence and biophysical properties (such as structural, functional, and spatial information, amino acid conservation, physicochemical variation, residue mobility, and thermodynamic stability) has been performed at Invitae for this missense variant, however the output from this modeling did not meet the statistical confidence thresholds required to predict the impact of this variant on WFS1 protein function. ClinVar contains an entry for this variant (Variation ID: 2203525). This missense change has been observed in individuals with autosomal dominant WFS1-related conditions (PMID: 27395765; Invitae). It has also been observed to segregate with disease in related individuals. This variant is not present in population databases (gnomAD no frequency). This sequence change replaces tyrosine, which is neutral and polar, with histidine, which is basic and polar, at codon 650 of the WFS1 protein (p.Tyr650His).

Literature cited by the submitters: PubMed 27395765 (cited by Labcorp Genetics (formerly Invitae), Labcorp).

NM_006005.3(WFS1):c.1948T>C (p.Tyr650His)

Gene: WFS1 (wolframin ER transmembrane glycoprotein; plus strand). Cytogenetic location: 4p16.1.
Variant type: single nucleotide variant.
Coding change: c.1948T>C on transcript NM_006005.3 (MANE Select); coding-DNA position 1948, T replaced by C.
Protein change: p.Tyr650His; replaces tyrosine 650 with histidine.
Molecular consequence: missense variant.
Genome position (GRCh38, 1-based): chr4:6,301,743, T>C. VCF-style: chr4-6301743-T-C. GRCh37 (hg19) VCF-style: chr4-6303470-T-C.
Other names: c.1948T>C, p.Tyr650His (NM_001145853.1); short protein forms Y650H.
Identifiers: ClinVar variation 2203525 (VCV002203525.5), dbSNP rs759581954, ClinGen allele CA356177156.